The following is an entry in ClinVar:

ClinVar aggregate classification (germline): Conflicting classifications of pathogenicity. Review status: criteria provided, conflicting classifications (1 of 4 stars). 8 submissions from 8 submitters: Uncertain significance (6); Likely benign (1). 1 of the submissions does not count toward it. Last evaluated 2026-02-03.

Conditions:
APC-related disorder. Also called: APC-related condition.
Classic or attenuated familial adenomatous polyposis. Identifiers: MedGen CN372698, MONDO:0021057.
Hereditary cancer-predisposing syndrome. Also called: Neoplastic Syndromes, Hereditary; Tumor predisposition; Hereditary Cancer Syndrome; Hereditary neoplastic syndrome. Identifiers: Orphanet 140162, MedGen C0027672, MeSH D009386, MONDO:0015356.
Familial adenomatous polyposis 1 (FAP1). Also called: FAMILIAL ADENOMATOUS POLYPOSIS 1, ATTENUATED; POLYPOSIS, ADENOMATOUS INTESTINAL. Identifiers: MedGen C2713442, MONDO:0021056, OMIM 175100. Disease mechanism: loss of function.

Allele frequency attached by ClinVar (database versions not stated): gnomAD exomes 0.00001; TOPMed 0.00009.
gnomAD v4.1: 29 of 1,614,052 alleles (0.0018%); highest among the groups gnomAD compares: Admixed American, 0.032%; 1 homozygote.

Submissions (8):

Labcorp Genetics (formerly Invitae), Labcorp
Classification: Uncertain significance for Familial adenomatous polyposis 1. Last evaluated: 2026-02-03. Review status: criteria provided, single submitter. Criteria: Invitae Variant Classification Sherloc (09022015). Collection method: clinical testing. Allele origin: germline.
Comment: This sequence change replaces glycine, which is neutral and non-polar, with arginine, which is basic and polar, at codon 907 of the APC protein (p.Gly907Arg). This variant is present in population databases (rs771458366, gnomAD 0.02%). This variant has not been reported in the literature in individuals affected with APC-related conditions. ClinVar contains an entry for this variant (Variation ID: 232412). Invitae Evidence Modeling of protein sequence and biophysical properties (such as structural, functional, and spatial information, amino acid conservation, physicochemical variation, residue mobility, and thermodynamic stability) indicates that this missense variant is not expected to disrupt APC protein function with a negative predictive value of 95%. In summary, the available evidence is currently insufficient to determine the role of this variant in disease. Therefore, it has been classified as a Variant of Uncertain Significance.

PreventionGenetics, part of Exact Sciences
Classification: Uncertain significance for APC-related condition. Last evaluated: 2026-01-12. Review status: criteria provided, single submitter. Criteria: ACMG Guidelines, 2015. Collection method: clinical testing. Allele origin: germline.
Comment: The APC c.2719G>A variant is predicted to result in the amino acid substitution p.Gly907Arg. To our knowledge this variant has not been reported in the literature in individuals with APC-related conditions. This variant is reported in 0.020% of alleles in individuals of Latino descent in gnomAD and has conflicting interpretations in ClinVar ranging from likely benign to uncertain (Variation ID: 232412). Although we suspect that this variant may be benign, at this time, the clinical significance of this variant is uncertain due to the absence of conclusive functional and genetic evidence.

Color Diagnostics, LLC DBA Color Health
Classification: Uncertain significance for Hereditary cancer-predisposing syndrome. Last evaluated: 2025-06-23. Review status: criteria provided, single submitter. Criteria: ACMG Guidelines, 2015. Collection method: clinical testing. Allele origin: germline.
Comment: This missense variant replaces glycine with arginine at codon 907 of the APC protein. Computational prediction suggests that this variant may not impact protein structure and function. To our knowledge, functional studies have not been reported for this variant. This variant has not been reported in individuals affected with APC-related disorders in the literature. This variant has been identified in 9/251026 chromosomes in the general population by the Genome Aggregation Database (gnomAD). The available evidence is insufficient to determine the role of this variant in disease conclusively. Therefore, this variant is classified as a Variant of Uncertain Significance.

All of Us Research Program, National Institutes of Health
Classification: Uncertain significance for Classic or attenuated familial adenomatous polyposis. Last evaluated: 2023-11-20. Review status: criteria provided, single submitter. Criteria: ACMG Guidelines, 2015. Collection method: clinical testing. Allele origin: germline. Inheritance: Autosomal dominant inheritance. Observed: 2 variant alleles, 2 heterozygotes.
Comment: This missense variant replaces glycine with arginine at codon 907 of the APC protein. Computational prediction suggests that this variant may not impact protein structure and function (internally defined REVEL score threshold <= 0.5, PMID: 27666373). To our knowledge, functional studies have not been reported for this variant. This variant has not been reported in individuals affected with APC-related disorders in the literature. This variant has been identified in 9/251026 chromosomes in the general population by the Genome Aggregation Database (gnomAD). The available evidence is insufficient to determine the role of this variant in disease conclusively. Therefore, this variant is classified as a Variant of Uncertain Significance.

This study involves interpretation of variants in research participants for the purpose of population health screening. Participant phenotype was not available at the time of variant classification. Additional details can be found in publication PMID: 35346344, PMCID: PMC8962531

Quest Diagnostics Nichols Institute San Juan Capistrano
Classification: Uncertain significance. Last evaluated: 2022-12-03. Review status: criteria provided, single submitter. Criteria: Quest Diagnostics criteria. Collection method: clinical testing. Allele origin: unknown.
Comment: To the best of our knowledge, the variant has not been reported as a germline variant in individuals with APC-related conditions in the published literature. The frequency of this variant in the general population, 0.0002 (7/34574 chromosomes in Latino/Admixed American subpopulation), is higher than would generally be expected for pathogenic variants in this gene. Analysis of this variant using bioinformatics tools for the prediction of the effect of amino acid changes on protein structure and function yielded predictions that this variant is benign. Based on the available information, we are unable to determine the clinical significance of this variant.

GeneDx
Classification: Uncertain significance. Last evaluated: 2022-10-20. Review status: criteria provided, single submitter. Criteria: GeneDx Variant Classification Process June 2021. Collection method: clinical testing. Allele origin: germline. Affected: yes.
Comment: In silico analysis supports that this missense variant does not alter protein structure/function; Has not been previously published as germline pathogenic or benign to our knowledge; This variant is associated with the following publications: (PMID: 27882345)

Ambry Genetics
Classification: Likely benign for Hereditary cancer-predisposing syndrome. Last evaluated: 2022-10-06. Review status: criteria provided, single submitter. Criteria: Ambry Variant Classification Scheme 2023. Collection method: clinical testing. Allele origin: germline.

True Health Diagnostics
Classification: Uncertain significance for Hereditary cancer-predisposing syndrome. Last evaluated: 2017-09-21. Review status: no assertion criteria provided. Collection method: clinical testing. Allele origin: germline. Not counted in ClinVar's aggregate classification.

Literature cited by the submitters: PubMed 27882345 (cited by Quest Diagnostics Nichols Institute San Juan Capistrano).

NM_000038.6(APC):c.2719G>A (p.Gly907Arg)

Gene: APC (APC regulator of Wnt signaling pathway; plus strand). Cytogenetic location: 5q22.2.
Variant type: single nucleotide variant.
Coding change: c.2719G>A on transcript NM_000038.6 (MANE Select); coding-DNA position 2719, G replaced by A.
Protein change: p.Gly907Arg; replaces glycine 907 with arginine.
Molecular consequence: missense variant.
Genome position (GRCh38, 1-based): chr5:112,838,313, G>A. VCF-style: chr5-112838313-G-A. GRCh37 (hg19) VCF-style: chr5-112174010-G-A.
Other names: CCDS4107.1:c.2719G>A; c.2719G>A, p.Gly907Arg (NM_001127510.3, NM_001354895.2); c.2665G>A, p.Gly889Arg (NM_001127511.3); c.2773G>A, p.Gly925Arg (NM_001354896.2); c.2749G>A, p.Gly917Arg (NM_001354897.2); c.2644G>A, p.Gly882Arg (NM_001354898.2); c.2635G>A, p.Gly879Arg (NM_001354899.2); c.2596G>A, p.Gly866Arg (NM_001354900.2); and 6 more; short protein forms G889R, G907R, G879R, G882R, G806R, G848R, G747R, G781R.
Identifiers: ClinVar variation 232412 (VCV000232412.29), dbSNP rs771458366, ClinGen allele CA033124.